The following is an entry in ClinVar:

NM_001035.3(RYR2):c.281A>T (p.Asp94Val)

Gene: RYR2 (ryanodine receptor 2; plus strand). Cytogenetic location: 1q43.
Variant type: single nucleotide variant.
Coding change: c.281A>T on transcript NM_001035.3 (MANE Select); coding-DNA position 281, A replaced by T.
Protein change: p.Asp94Val; replaces aspartic acid 94 with valine.
Molecular consequence: missense variant.
Genome position (GRCh38, 1-based): chr1:237,355,972, A>T. VCF-style: chr1-237355972-A-T. GRCh37 (hg19) VCF-style: chr1-237519272-A-T.
Other names: short protein forms D94V.
Identifiers: ClinVar variation 229217 (VCV000229217.14), dbSNP rs876657989, ClinGen allele CA10576395.

ClinVar aggregate classification (germline): Uncertain significance. Review status: criteria provided, multiple submitters, no conflicts (2 of 4 stars). 2 submissions from 2 submitters: Uncertain significance (2). Last evaluated 2023-10-15.

Conditions:
Catecholaminergic polymorphic ventricular tachycardia 1. Also called: VENTRICULAR TACHYCARDIA, STRESS-INDUCED POLYMORPHIC 1; RYR2-Related Catecholaminergic Polymorphic Ventricular Tachycardia; VENTRICULAR TACHYCARDIA, CATECHOLAMINERGIC POLYMORPHIC, 1, WITH OR WITHOUT ATRIAL DYSFUNCTION AND/OR DILATED CARDIOMYOPATHY. Identifiers: Orphanet 3286, MedGen C1631597, MONDO:0011484, OMIM 604772.

Submissions (2):

Labcorp Genetics (formerly Invitae), Labcorp
Classification: Uncertain significance for Catecholaminergic polymorphic ventricular tachycardia 1. Last evaluated: 2023-10-15. Review status: criteria provided, single submitter. Criteria: Invitae Variant Classification Sherloc (09022015). Collection method: clinical testing. Allele origin: germline.
Comment: This sequence change replaces aspartic acid, which is acidic and polar, with valine, which is neutral and non-polar, at codon 94 of the RYR2 protein (p.Asp94Val). This variant is not present in population databases (gnomAD no frequency). This variant has not been reported in the literature in individuals affected with RYR2-related conditions. ClinVar contains an entry for this variant (Variation ID: 229217). Advanced modeling of protein sequence and biophysical properties (such as structural, functional, and spatial information, amino acid conservation, physicochemical variation, residue mobility, and thermodynamic stability) performed at Invitae indicates that this missense variant is not expected to disrupt RYR2 protein function. In summary, the available evidence is currently insufficient to determine the role of this variant in disease. Therefore, it has been classified as a Variant of Uncertain Significance.

Laboratory for Molecular Medicine, Mass General Brigham Personalized Medicine
Classification: Uncertain significance. Last evaluated: 2018-05-10. Review status: criteria provided, single submitter. Criteria: LMM Criteria. Collection method: clinical testing. Allele origin: germline. Observed: 1 variant allele.
Comment: proposed classification - variant undergoing re-assessment, contact laboratory